The following is an entry in ClinVar:

ClinVar aggregate classification (germline): Uncertain significance (1 of 4 stars; one submission).

Conditions:
Bethlem myopathy 1A. Also called: MYOPATHY, BENIGN CONGENITAL, WITH CONTRACTURES; Bethlem myopathy 1; Bethlem Muscular Dystrophy. Identifiers: Orphanet 610, MedGen CN029274, MONDO:0024530, OMIM 158810.

Submission:

Labcorp Genetics (formerly Invitae), Labcorp
Classification: Uncertain significance for Bethlem myopathy 1A. Last evaluated: 2024-10-08. Review status: criteria provided, single submitter. Criteria: Invitae Variant Classification Sherloc (09022015). Collection method: clinical testing. Allele origin: germline.
Comment: This sequence change falls in intron 24 of the COL6A1 gene. It does not directly change the encoded amino acid sequence of the COL6A1 protein. Information on the frequency of this variant in the gnomAD database is not available, as this variant may be reported differently in the database. This variant has not been reported in the literature in individuals affected with COL6A1-related conditions. Experimental studies and prediction algorithms are not available or were not evaluated, and the effect of this variant on mRNA splicing is currently unknown. In summary, the available evidence is currently insufficient to determine the role of this variant in disease. Therefore, it has been classified as a Variant of Uncertain Significance.

NM_001848.3(COL6A1):c.1611+16_1611+17delinsAT

Gene: COL6A1 (collagen type VI alpha 1 chain; plus strand). Cytogenetic location: 21q22.3.
Variant type: Indel.
Coding change: c.1611+16_1611+17delinsAT on transcript NM_001848.3 (MANE Select); bases 16 to 17 of the intron after coding-DNA position 1611, CC replaced by AT.
Molecular consequence: intron variant.
Genome position (GRCh38, 1-based): chr21:45,998,449-45,998,450, CC replaced by AT. VCF-style: chr21-45998449-CC-AT. GRCh37 (hg19) VCF-style: chr21-47418363-CC-AT.
Identifiers: ClinVar variation 3722472 (VCV003722472.2).